The following is an entry in ClinVar:

NM_024528.4(NKAP):c.14C>G (p.Ser5Cys)

Gene: NKAP (NFKB activating protein; minus strand). Cytogenetic location: Xq24.
Variant type: single nucleotide variant.
Coding change: c.14C>G on transcript NM_024528.4 (MANE Select); coding-DNA position 14, C replaced by G.
Protein change: p.Ser5Cys; replaces serine 5 with cysteine.
Molecular consequence: missense variant.
Genome position (GRCh38, 1-based): chrX:119,943,592, G>C on the plus strand (C>G on the coding strand, the complement: NKAP is on the minus strand). VCF-style: chrX-119943592-G-C. GRCh37 (hg19) VCF-style: chrX-119077555-G-C.
Other names: short protein forms S5C.
Identifiers: ClinVar variation 5020632 (VCV005020632.1).

ClinVar aggregate classification (germline): Uncertain significance (1 of 4 stars; one submission).

gnomAD v4.1: 2 of 1,183,067 alleles (0.00017%); highest among the groups gnomAD compares: Admixed American, 0.0023%; no homozygotes.

Submission:

Dasa
Classification: Uncertain significance. Last evaluated: 2026-05-04. Review status: criteria provided, single submitter. Criteria: DASA Assertion Criteria. Collection method: clinical testing. Allele origin: germline.
Comment: NM_024528.4(NKAP):c.14C>G (p.Ser5Cys) is a missense variant that results in the substitution of serine with cysteine. This variant is rare in population databases. Computational prediction algorithms are consistent with a benign effect. The currently available literature and clinical evidence are not sufficient to establish a definitive association between this variant and the reported condition. Therefore, this variant is classified as a variant of uncertain significance.